The following is an entry in ClinVar:

NM_006767.4(LZTR1):c.1062G>T (p.Glu354Asp)

Gene: LZTR1 (leucine zipper like post translational regulator 1; plus strand). Cytogenetic location: 22q11.21.
Variant type: single nucleotide variant.
Coding change: c.1062G>T on transcript NM_006767.4 (MANE Select); coding-DNA position 1062, G replaced by T.
Protein change: p.Glu354Asp; replaces glutamic acid 354 with aspartic acid.
Molecular consequence: missense variant.
Genome position (GRCh38, 1-based): chr22:20,992,282, G>T. VCF-style: chr22-20992282-G-T. GRCh37 (hg19) VCF-style: chr22-21346571-G-T.
Other names: c.1062G>T (NM_006767.3); short protein forms E354D.
Identifiers: ClinVar variation 2739100 (VCV002739100.4), dbSNP rs1924634284, ClinGen allele CA410781932.
Genomic context (GRCh38, chr22:20,992,282, plus strand): 5'-GGCTGAAGTGCCCGAGCGAGCCTGTGCTTCCGAGGAGGTGCCCACCCTGACCTATGAGGA[G>T]CGGGTTGGCTTCAAGAAGTCCCGAGATGTGTTTGGCCTGGACTTTGGCACCACCTCAGCC-3'
Protein context (NP_006758.2, residues 344-364): SEEVPTLTYE[Glu354Asp]RVGFKKSRDV

ClinVar aggregate classification (germline): Uncertain significance. Review status: criteria provided, multiple submitters, no conflicts (2 of 4 stars). 2 submissions from 2 submitters: Uncertain significance (2). Last evaluated 2025-08-25.

Conditions:
Cardiovascular phenotype. Identifiers: MedGen CN230736.
Hereditary cancer-predisposing syndrome. Also called: Hereditary Cancer Syndrome; Neoplastic Syndromes, Hereditary; Hereditary neoplastic syndrome; Tumor predisposition. Identifiers: Orphanet 140162, MedGen C0027672, MeSH D009386, MONDO:0015356.

Submissions (2):

Ambry Genetics
Classification: Uncertain significance for Cardiovascular phenotype; Hereditary cancer-predisposing syndrome. Last evaluated: 2025-08-25. Review status: criteria provided, single submitter. Criteria: Ambry Variant Classification Scheme 2023. Collection method: clinical testing. Allele origin: germline.
Comment: The p.E354D variant (also known as c.1062G>T), located in coding exon 10 of the LZTR1 gene, results from a G to T substitution at nucleotide position 1062. The glutamic acid at codon 354 is replaced by aspartic acid, an amino acid with highly similar properties. This amino acid position is conserved. In addition, this alteration is predicted to be tolerated by in silico analysis. Based on the available evidence, the clinical significance of this variant remains unclear.

Labcorp Genetics (formerly Invitae), Labcorp
Classification: Uncertain significance. Last evaluated: 2023-02-18. Review status: criteria provided, single submitter. Criteria: Invitae Variant Classification Sherloc (09022015). Collection method: clinical testing. Allele origin: germline.
Comment: In summary, the available evidence is currently insufficient to determine the role of this variant in disease. Therefore, it has been classified as a Variant of Uncertain Significance. Advanced modeling of protein sequence and biophysical properties (such as structural, functional, and spatial information, amino acid conservation, physicochemical variation, residue mobility, and thermodynamic stability) performed at Invitae indicates that this missense variant is not expected to disrupt LZTR1 protein function. This variant has not been reported in the literature in individuals affected with LZTR1-related conditions. This variant is not present in population databases (gnomAD no frequency). This sequence change replaces glutamic acid, which is acidic and polar, with aspartic acid, which is acidic and polar, at codon 354 of the LZTR1 protein (p.Glu354Asp).